The following is an entry in ClinVar:

ClinVar aggregate classification (germline): Uncertain significance (1 of 4 stars; one submission).

Conditions:
Dilated cardiomyopathy 1M (CMD1M). Identifiers: Orphanet 154, MedGen C1843808, MONDO:0011840, OMIM 607482.
Hypertrophic cardiomyopathy 12. Identifiers: MedGen C2677491, MONDO:0012804, OMIM 612124.

Submission:

Labcorp Genetics (formerly Invitae), Labcorp
Classification: Uncertain significance for Hypertrophic cardiomyopathy 12; Dilated cardiomyopathy 1M. Last evaluated: 2024-02-24. Review status: criteria provided, single submitter. Criteria: Invitae Variant Classification Sherloc (09022015). Collection method: clinical testing. Allele origin: germline.
Comment: This sequence change replaces threonine, which is neutral and polar, with serine, which is neutral and polar, at codon 111 of the CSRP3 protein (p.Thr111Ser). This variant is not present in population databases (gnomAD no frequency). This variant has not been reported in the literature in individuals affected with CSRP3-related conditions. ClinVar contains an entry for this variant (Variation ID: 1045403). Algorithms developed to predict the effect of missense changes on protein structure and function output the following: SIFT: "Not Available"; PolyPhen-2: "Benign"; Align-GVGD: "Not Available". The serine amino acid residue is found in multiple mammalian species, which suggests that this missense change does not adversely affect protein function. In summary, the available evidence is currently insufficient to determine the role of this variant in disease. Therefore, it has been classified as a Variant of Uncertain Significance.

NM_003476.5(CSRP3):c.332C>G (p.Thr111Ser)

Gene: CSRP3 (cysteine and glycine rich protein 3; minus strand). Cytogenetic location: 11p15.1.
Variant type: single nucleotide variant.
Coding change: c.332C>G on transcript NM_003476.5 (MANE Select); coding-DNA position 332, C replaced by G.
Protein change: p.Thr111Ser; replaces threonine 111 with serine.
Molecular consequence: missense variant.
Genome position (GRCh38, 1-based): chr11:19,186,298, G>C on the plus strand (C>G on the coding strand, the complement: CSRP3 is on the minus strand). VCF-style: chr11-19186298-G-C. GRCh37 (hg19) VCF-style: chr11-19207845-G-C.
Other names: c.163C>G, p.Leu55Val (NM_001369404.1); short protein forms L55V, T111S.
Identifiers: ClinVar variation 1045403 (VCV001045403.8), dbSNP rs1850524667, ClinGen allele CA379887994.